The following is an entry in ClinVar:

NM_005188.4(CBL):c.1120A>T (p.Met374Leu)

Gene: CBL (Cbl proto-oncogene; plus strand). Cytogenetic location: 11q23.3.
Variant type: single nucleotide variant.
Coding change: c.1120A>T on transcript NM_005188.4 (MANE Select); coding-DNA position 1120, A replaced by T.
Protein change: p.Met374Leu; replaces methionine 374 with leucine.
Molecular consequence: missense variant.
Genome position (GRCh38, 1-based): chr11:119,278,190, A>T. VCF-style: chr11-119278190-A-T. GRCh37 (hg19) VCF-style: chr11-119148900-A-T.
Other names: short protein forms M374L.
Identifiers: ClinVar variation 2907231 (VCV002907231.3), dbSNP rs1350371301, ClinGen allele CA382912366.

ClinVar aggregate classification (germline): Uncertain significance (1 of 4 stars; one submission).

Conditions:
RASopathy. Also called: Noonan spectrum disorder; rasopathies. Identifiers: Orphanet 536391, MedGen C5555857, MONDO:0021060.

gnomAD v4.1: 2 of 1,607,756 alleles (0.00012%); highest among the groups gnomAD compares: South Asian, 0.0011%; no homozygotes.

Submission:

Labcorp Genetics (formerly Invitae), Labcorp
Classification: Uncertain significance for RASopathy. Last evaluated: 2023-04-25. Review status: criteria provided, single submitter. Criteria: Invitae Variant Classification Sherloc (09022015). Collection method: clinical testing. Allele origin: germline.
Comment: This variant is present in population databases (no rsID available, gnomAD 0.003%). In summary, the available evidence is currently insufficient to determine the role of this variant in disease. Therefore, it has been classified as a Variant of Uncertain Significance. Advanced modeling of protein sequence and biophysical properties (such as structural, functional, and spatial information, amino acid conservation, physicochemical variation, residue mobility, and thermodynamic stability) has been performed at Invitae for this missense variant, however the output from this modeling did not meet the statistical confidence thresholds required to predict the impact of this variant on CBL protein function. This variant has not been reported in the literature in individuals affected with CBL-related conditions. This sequence change replaces methionine, which is neutral and non-polar, with leucine, which is neutral and non-polar, at codon 374 of the CBL protein (p.Met374Leu).